The following is an entry in ClinVar:

NM_002074.5(GNB1):c.402C>T (p.Arg134=)

Gene: GNB1 (G protein subunit beta 1; minus strand). Cytogenetic location: 1p36.33.
Variant type: single nucleotide variant.
Coding change: c.402C>T on transcript NM_002074.5 (MANE Select); coding-DNA position 402, C replaced by T.
Protein change: p.Arg134=; no amino-acid change (arginine 134 retained).
Molecular consequence: synonymous variant.
Genome position (GRCh38, 1-based): chr1:1,804,447, G>A on the plus strand (C>T on the coding strand, the complement: GNB1 is on the minus strand). VCF-style: chr1-1804447-G-A. GRCh37 (hg19) VCF-style: chr1-1735886-G-A.
Other names: c.102C>T, p.Arg34= (NM_001282538.2); c.402C>T, p.Arg134= (NM_001282539.2).
Identifiers: ClinVar variation 1562666 (VCV001562666.10), dbSNP rs560214051, ClinGen allele CA532043.
Genomic context (GRCh38, chr1:1,804,447, plus strand): 5'-GTCACTTGAAGCTTATGAACAAGGACAGGTACCTGTGTGTCCTGCCAGCTCACGACTCAC[G>A]CGCACGTTCCCCTCACGAGTTTTCAGATTGTAAATGGAGCAAATGTTATCCAGGCCACCG-3'
Protein context (NP_002065.1, residues 124-144): YNLKTREGNV[Arg134=]VSRELAGHTG

ClinVar aggregate classification (germline): Likely benign. Review status: criteria provided, multiple submitters, no conflicts (2 of 4 stars). 3 submissions from 3 submitters: Likely benign (3). Last evaluated 2026-08-01.

Conditions:
Intellectual developmental disorder, autosomal dominant 42. Also called: Intellectual disability, autosomal dominant 42; Global developmental delay-neuro-ophthalmological abnormalities-seizures-intellectual disability syndrome; GNB1 Encephalopathy. Identifiers: Orphanet 488613, MedGen C4310774, MONDO:0014855, OMIM 616973.
Myelodysplastic syndrome (MDS). Also called: MYELODYSPLASTIC SYNDROME, SUSCEPTIBILITY TO; Myelodysplastic syndromes; Myelodysplastic syndrome, somatic. Identifiers: Orphanet 52688, MedGen C3463824, MeSH D009190, MONDO:0018881, OMIM 614286.
Acute lymphoid leukemia (ALL). Also called: Lymphoblastic leukemia; Acute lymphoblastic leukemia; Acute lymphocytic leukemia; Leukemia, acute lymphoblastic, somatic. Identifiers: Orphanet 513, MedGen C0023449, MONDO:0004967, OMIM 613065, HP:0006721.

Allele frequency attached by ClinVar (database versions not stated): gnomAD exomes 0.00002 and 0.00003; ExAC 0.00003; gnomAD 0.00011; TOPMed 0.00026.
gnomAD v4.1: 52 of 1,613,692 alleles (0.0032%); highest among the groups gnomAD compares: Admixed American, 0.028%; 1 homozygote.

Submissions (3):

CeGaT Center for Human Genetics Tuebingen
Classification: Likely benign. Last evaluated: 2026-08-01. Review status: criteria provided, single submitter. Criteria: CeGaT Center For Human Genetics Tuebingen Variant Classification Criteria Version 2. Collection method: clinical testing. Allele origin: germline. Affected: yes. Observed: 1 variant allele.
Comment: GNB1: BP4, BP7

Labcorp Genetics (formerly Invitae), Labcorp
Classification: Likely benign. Last evaluated: 2025-10-23. Review status: criteria provided, single submitter. Criteria: Invitae Variant Classification Sherloc (09022015). Collection method: clinical testing. Allele origin: germline.

Center for Genomics, Ann and Robert H. Lurie Children's Hospital of Chicago
Classification: Likely benign for Myelodysplastic syndrome; Acute lymphoid leukemia; Intellectual developmental disorder, autosomal dominant 42. Review status: criteria provided, single submitter. Criteria: ACMG Guidelines, 2015. Collection method: clinical testing. Allele origin: germline.
Comment: This variant has not been reported in the literature but is present in 0.09% (14/15254) of Latino alleles, including 1 homozygote, in the Genome Aggregation Database. Evolutionary conservation and computational predictive tools for this variant are limited or unavailable. Of note, this is a silent variant and does not change the amino acid, reducing the probability that this variant is disease causing. In summary, data on this variant suggests that this variant does not cause disease but requires further evidence. Therefore, this variant is classified as likely benign.